The following is an entry in ClinVar:

NM_000535.7(PMS2):c.1746del (p.Glu583fs)

Gene: PMS2 (PMS1 homolog 2, mismatch repair system component; minus strand). Cytogenetic location: 7p22.1.
Variant type: Deletion.
Coding change: c.1746del on transcript NM_000535.7 (MANE Select); coding-DNA position 1746, one base deleted (A; older notation c.1746delA).
Protein change: p.Glu583fs; shifts the reading frame from glutamic acid 583.
Molecular consequence: frameshift variant. On other transcripts: non-coding transcript variant (1).
Genome position (GRCh38, 1-based): chr7:5,987,019, T deleted on the plus strand (A on the coding strand, the reverse complement: PMS2 is on the minus strand); the first of 2 consecutive T bases (chr7:5,987,019-5,987,020); deleting either gives the same sequence. VCF-style (leftmost placement, unchanged base first): chr7-5987018-CT-C. GRCh37 (hg19) VCF-style: chr7-6026649-CT-C.
Other names: c.1341del, p.Glu448fs (NM_001322003.2, NM_001322004.2, NM_001322005.2 and 1 more transcripts); c.1590del, p.Glu531fs (NM_001322006.2); c.1428del, p.Glu477fs (NM_001322007.2, NM_001322008.2); c.1185del, p.Glu396fs (NM_001322010.2); c.813del, p.Glu272fs (NM_001322011.2, NM_001322012.2); c.1173del, p.Glu392fs (NM_001322013.2); c.1746del, p.Glu583fs (NM_001322014.2); c.1437del, p.Glu480fs (NM_001322015.2); short protein forms E272fs, E477fs, E480fs, E396fs, E583fs, E392fs, E448fs, E531fs.
Identifiers: ClinVar variation 525822 (VCV000525822.6), dbSNP rs1554297285, ClinGen allele CA658796887.

ClinVar aggregate classification (germline): Pathogenic (1 of 4 stars; one submission).

Conditions:
Hereditary nonpolyposis colorectal neoplasms. Identifiers: MedGen C0009405, MeSH D003123.

Submission:

Labcorp Genetics (formerly Invitae), Labcorp
Classification: Pathogenic for Hereditary nonpolyposis colorectal neoplasms. Last evaluated: 2017-08-28. Review status: criteria provided, single submitter. Criteria: Invitae Variant Classification Sherloc (09022015). Collection method: clinical testing. Allele origin: germline.
Comment: This sequence change creates a premature translational stop signal (p.Glu583Lysfs*12) in the PMS2 gene. It is expected to result in an absent or disrupted protein product. This variant is not present in population databases (ExAC no frequency). This variant has not been reported in the literature in individuals with PMS2-related disease. Loss-of-function variants in PMS2 are known to be pathogenic (PMID: 21376568, 24362816). For these reasons, this variant has been classified as Pathogenic.

Literature cited by the submitters: PubMed 21376568; PubMed 24362816.